The following is an entry in ClinVar:

NM_000092.5(COL4A4):c.2899A>G (p.Ile967Val)

Gene: COL4A4 (collagen type IV alpha 4 chain; minus strand). Cytogenetic location: 2q36.3.
Variant type: single nucleotide variant.
Coding change: c.2899A>G on transcript NM_000092.5 (MANE Select); coding-DNA position 2899, A replaced by G.
Protein change: p.Ile967Val; replaces isoleucine 967 with valine.
Molecular consequence: missense variant.
Genome position (GRCh38, 1-based): chr2:227,052,374, T>C on the plus strand (A>G on the coding strand, the complement: COL4A4 is on the minus strand). VCF-style: chr2-227052374-T-C. GRCh37 (hg19) VCF-style: chr2-227917090-T-C.
Other names: short protein forms I967V.
Identifiers: ClinVar variation 255025 (VCV000255025.49), dbSNP rs80243096, ClinGen allele CA2144686.

ClinVar aggregate classification (germline): Benign/Likely benign. Review status: criteria provided, multiple submitters, no conflicts (2 of 4 stars). 14 submissions from 14 submitters: Benign (10); Likely benign (1). 3 of the submissions do not count toward it. Last evaluated 2026-08-01.

Conditions:
Alport syndrome. Also called: Hemorrhagic familial nephritis; Hemorrhagic hereditary nephritis; Congenital hereditary hematuria. Identifiers: Orphanet 63, MedGen C1567741, MONDO:0018965.
Autosomal recessive Alport syndrome (ATS2). Also called: COL4A3-Related Nephropathy; Alport syndrome type 2; COL4A4 Alport Syndrome and Thin Basement Membrane Nephropathy; ALPORT SYNDROME 2, AUTOSOMAL RECESSIVE. Identifiers: Orphanet 63, Orphanet 88919, MedGen C4746745, MONDO:0008762, OMIM 203780.
Focal segmental glomerulosclerosis (FSGS). Also called: Glomerulosclerosis, focal; Focal sclerosis with hyalinosis. Identifiers: MedGen C0017668, MONDO:0100313, HP:0000097. Disease mechanism: loss of function.

Allele frequency attached by ClinVar (database versions not stated): gnomAD exomes 0.00706 and 0.00712; ExAC 0.00731; gnomAD 0.01609 and 0.01747; 1000 Genomes Project 0.01637; ESP Exome Variant Server 0.01667; 1000 Genomes Project 30x 0.01686; TOPMed 0.01868.
gnomAD v4.1: 12,846 of 1,612,552 alleles (0.8%); highest among the groups gnomAD compares: African/African-American, 4.6%; 107 homozygotes.

Submissions (14):

CeGaT Center for Human Genetics Tuebingen
Classification: Benign. Last evaluated: 2026-08-01. Review status: criteria provided, single submitter. Criteria: CeGaT Center For Human Genetics Tuebingen Variant Classification Criteria Version 2. Collection method: clinical testing. Allele origin: germline. Affected: yes. Observed: 20 variant alleles.
Comment: COL4A4: BP4, BS1, BS2

Labcorp Genetics (formerly Invitae), Labcorp
Classification: Benign. Last evaluated: 2026-02-01. Review status: criteria provided, single submitter. Criteria: Invitae Variant Classification Sherloc (09022015). Collection method: clinical testing. Allele origin: germline.

Blueprint Genetics
Classification: Likely benign. Last evaluated: 2024-11-22. Review status: criteria provided, single submitter. Criteria: ACMG Guidelines, 2015. Collection method: clinical testing. Allele origin: germline.

Mayo Clinic Laboratories, Mayo Clinic
Classification: Benign. Last evaluated: 2023-04-03. Review status: criteria provided, single submitter. Criteria: ACMG Guidelines, 2015. Collection method: clinical testing. Allele origin: germline. Observed: 12 variant alleles.
Comment: BS1, BS2, BP4

Genome Diagnostics Laboratory, The Hospital for Sick Children
Classification: Benign for Focal segmental glomerulosclerosis. Last evaluated: 2022-09-17. Review status: criteria provided, single submitter. Criteria: ACMG Guidelines, 2015. Collection method: clinical testing. Allele origin: germline.

Illumina Laboratory Services, Illumina
Classification: Benign for Alport syndrome. Last evaluated: 2018-01-13. Review status: criteria provided, single submitter. Criteria: ICSL Variant Classification Criteria 13 December 2019. Collection method: clinical testing. Allele origin: germline.
Comment: This variant was observed in the ICSL laboratory as part of a predisposition screen in an ostensibly healthy population. It had not been previously curated by ICSL or reported in the Human Gene Mutation Database (HGMD: prior to June 1st, 2018), and was therefore a candidate for classification through an automated scoring system. Utilizing variant allele frequency, disease prevalence and penetrance estimates, and inheritance mode, an automated score was calculated to assess if this variant is too frequent to cause the disease. Based on the score and internal cut-off values, a variant classified as benign is not then subjected to further curation. The score for this variant resulted in a classification of benign for this disease.

GeneDx
Classification: Benign. Last evaluated: 2017-09-27. Review status: criteria provided, single submitter. Criteria: GeneDx Variant Classification (06012015). Collection method: clinical testing. Allele origin: germline. Affected: yes.
Comment: This variant is considered likely benign or benign based on one or more of the following criteria: it is a conservative change, it occurs at a poorly conserved position in the protein, it is predicted to be benign by multiple in silico algorithms, and/or has population frequency not consistent with disease.

Athena Diagnostics
Classification: Benign for Autosomal recessive Alport syndrome. Last evaluated: 2017-06-01. Review status: criteria provided, single submitter. Criteria: Athena Diagnostics Criteria. Collection method: clinical testing. Allele origin: germline.

Laboratory for Molecular Medicine, Mass General Brigham Personalized Medicine
Classification: Benign. Last evaluated: 2016-03-21. Review status: criteria provided, single submitter. Criteria: LMM Criteria. Collection method: clinical testing. Allele origin: germline. Observed: 7 variant alleles.
Comment: p.Ile967Val in exon 32 of COL4A4: This variant is not expected to have clinical significance because it has been identified in 4.54% (445/9802) of African chrom osomes by the Exome Aggregation Consortium (ExAC ; dbSNP rs80243096).

Breakthrough Genomics
Classification: Benign. Review status: criteria provided, single submitter. Criteria: ACMG Guidelines, 2015. Collection method: not provided. Allele origin: germline. Inheritance: Autosomal recessive inheritance. Affected: yes.

PreventionGenetics, part of Exact Sciences
Classification: Benign. Review status: criteria provided, single submitter. Criteria: ACMG Guidelines, 2015. Collection method: clinical testing. Allele origin: germline.

Natera, Inc.
Classification: Benign for Alport syndrome. Last evaluated: 2020-09-16. Review status: no assertion criteria provided. Collection method: clinical testing. Allele origin: germline. Not counted in ClinVar's aggregate classification.

Genome Diagnostics Laboratory, University Medical Center Utrecht
Classification: Benign. Review status: no assertion criteria provided. Collection method: clinical testing. Allele origin: germline. Affected: yes. Study: VKGL Data-share Consensus. Not counted in ClinVar's aggregate classification.

Joint Genome Diagnostic Labs from Nijmegen and Maastricht, Radboudumc and MUMC+
Classification: Likely benign. Review status: no assertion criteria provided. Collection method: clinical testing. Allele origin: germline. Affected: yes. Study: VKGL Data-share Consensus. Not counted in ClinVar's aggregate classification.

Literature cited by the submitters: PubMed 12028435 (cited by Athena Diagnostics).